The following is an entry in ClinVar:

NM_001379500.1(COL18A1):c.3050C>A (p.Pro1017His)

Genes: COL18A1 (collagen type XVIII alpha 1 chain; plus strand), SLC19A1 (solute carrier family 19 member 1; minus strand). Cytogenetic location: 21q22.3.
Variant type: single nucleotide variant.
Coding change: c.3050C>A on transcript NM_001379500.1 (MANE Select); coding-DNA position 3050, C replaced by A.
Protein change: p.Pro1017His; replaces proline 1017 with histidine.
Molecular consequence: missense variant.
Genome position (GRCh38, 1-based): chr21:45,505,394, C>A. VCF-style: chr21-45505394-C-A. GRCh37 (hg19) VCF-style: chr21-46925308-C-A.
Other names: c.3581C>A, p.Pro1194His (NM_030582.4); c.4286C>A, p.Pro1429His (NM_130444.3); short protein forms P1017H, P1194H, P1429H.
Identifiers: ClinVar variation 2710889 (VCV002710889.3), dbSNP rs1333602438, ClinGen allele CA410499733.

ClinVar aggregate classification (germline): Uncertain significance (1 of 4 stars; one submission).

gnomAD v4.1: 1 of 1,586,754 alleles (0.000063%); highest among the groups gnomAD compares: Non-Finnish European, 0.000086%; no homozygotes.

Submission:

Labcorp Genetics (formerly Invitae), Labcorp
Classification: Uncertain significance. Last evaluated: 2024-01-22. Review status: criteria provided, single submitter. Criteria: Invitae Variant Classification Sherloc (09022015). Collection method: clinical testing. Allele origin: germline.
Comment: This sequence change replaces proline, which is neutral and non-polar, with histidine, which is basic and polar, at codon 1014 of the COL18A1 protein (p.Pro1014His). This variant is not present in population databases (gnomAD no frequency). This variant has not been reported in the literature in individuals affected with COL18A1-related conditions. Experimental studies and prediction algorithms are not available or were not evaluated, and the functional significance of this variant is currently unknown. In summary, the available evidence is currently insufficient to determine the role of this variant in disease. Therefore, it has been classified as a Variant of Uncertain Significance.